The following is an entry in ClinVar:

ClinVar aggregate classification (germline): Pathogenic (1 of 4 stars; one submission).

Conditions:
Cardiovascular phenotype. Identifiers: MedGen CN230736.
Hereditary cancer-predisposing syndrome. Also called: Tumor predisposition; Hereditary Cancer Syndrome; Neoplastic Syndromes, Hereditary; Hereditary neoplastic syndrome. Identifiers: Orphanet 140162, MedGen C0027672, MeSH D009386, MONDO:0015356.

Submission:

Ambry Genetics
Classification: Pathogenic for Cardiovascular phenotype; Hereditary cancer-predisposing syndrome. Last evaluated: 2019-08-06. Review status: criteria provided, single submitter. Criteria: Ambry Variant Classification Scheme 2023. Collection method: clinical testing. Allele origin: germline.
Comment: The c.2851-1G>T intronic pathogenic mutation results from a G to T substitution one nucleotide upstream from coding exon 22 of the NF1 gene. This nucleotide position is highly conserved in available vertebrate species. Using the BDGP and ESEfinder splice site prediction tools, c.2851-1G>T is predicted to abolish the native splice acceptor site; however, direct evidence is unavailable. Alterations that disrupt the canonical splice site are expected to cause aberrant splicing, resulting in an abnormal protein or a transcript that is subject to nonsense-mediated mRNA decay. As such, this alteration is classified as pathogenic.

NM_001042492.3(NF1):c.2851-1G>T

Gene: NF1 (neurofibromin 1; plus strand). Cytogenetic location: 17q11.2.
Variant type: single nucleotide variant.
Coding change: c.2851-1G>T on transcript NM_001042492.3 (MANE Select); the canonical splice acceptor site of the intron before coding-DNA position 2851, G replaced by T.
Molecular consequence: splice acceptor variant.
Genome position (GRCh38, 1-based): chr17:31,229,834, G>T. VCF-style: chr17-31229834-G-T. GRCh37 (hg19) VCF-style: chr17-29556852-G-T.
Other names: c.2851-1G>T (NM_000267.4).
Identifiers: ClinVar variation 821889 (VCV000821889.4), dbSNP rs1597716274, ClinGen allele CA398985944.
Genomic context (GRCh38, chr17:31,229,834, plus strand): 5'-CTAGGGGGTCTGTCTTCTGGGCATTGATGGCAAATCATTAATGTATTTGTTCTTTCTTTA[G>T]GTTTTATTGACTGATACCAATACTCAATTTGTAGAACAAACCATAGCTATAATGAAGAAC-3'